The following is an entry in ClinVar:

NM_001393504.1(MAST3):c.1282A>G (p.Asn428Asp)

Gene: MAST3 (microtubule associated serine/threonine kinase 3; plus strand). Cytogenetic location: 19p13.11.
Variant type: single nucleotide variant.
Coding change: c.1282A>G on transcript NM_001393504.1 (MANE Select); coding-DNA position 1282, A replaced by G.
Protein change: p.Asn428Asp; replaces asparagine 428 with aspartic acid.
Molecular consequence: missense variant.
Genome position (GRCh38, 1-based): chr19:18,130,552, A>G. VCF-style: chr19-18130552-A-G. GRCh37 (hg19) VCF-style: chr19-18241362-A-G.
Other names: c.1306A>G, p.Asn436Asp (NM_001393501.1); c.1285A>G, p.Asn429Asp (NM_001393502.1); c.1282A>G, p.Asn428Asp (NM_001393503.1); c.1279A>G, p.Asn427Asp (NM_001393505.1); c.1234A>G, p.Asn412Asp (NM_001393506.1, NM_001393513.1); c.1261A>G, p.Asn421Asp (NM_001393507.1); c.1216A>G, p.Asn406Asp (NM_001393508.1, NM_001393516.1); c.1213A>G, p.Asn405Asp (NM_001393509.1, NM_001393510.1, NM_001393512.1 and 2 more transcripts); and 4 more; short protein forms N390D, N398D, N399D, N404D, N405D, N406D, N412D, N421D.
Identifiers: ClinVar variation 1311467 (VCV001311467.2), dbSNP rs2147368579, ClinGen allele CA404810628.

ClinVar aggregate classification (germline): Uncertain significance (1 of 4 stars; one submission).

Submission:

GeneDx
Classification: Uncertain significance. Last evaluated: 2020-01-11. Review status: criteria provided, single submitter. Criteria: GeneDx Variant Classification Process June 2021. Collection method: clinical testing. Allele origin: germline. Affected: yes.
Comment: Not observed in large population cohorts (Lek et al., 2016); In silico analysis, which includes protein predictors and evolutionary conservation, supports a deleterious effect; Has not been previously published as pathogenic or benign to our knowledge; Variants in candidate genes are classified as variants of uncertain significance in accordance with ACMG guidelines (Richards et al., 2015)